The following is an entry in ClinVar:

ClinVar aggregate classification (germline): Uncertain significance. Review status: criteria provided, multiple submitters, no conflicts (2 of 4 stars). 2 submissions from 2 submitters: Uncertain significance (2). Last evaluated 2020-10-08.

Conditions:
Early-infantile DEE. Also called: Early infantile epileptic encephalopathy; Ohtahara syndrome; Early infantile epileptic encephalopathy with suppression bursts. Identifiers: Orphanet 1934, MedGen C0393706, MONDO:0800491.

Submissions (2):

Labcorp Genetics (formerly Invitae), Labcorp
Classification: Uncertain significance for Early-infantile DEE. Last evaluated: 2020-10-08. Review status: criteria provided, single submitter. Criteria: Invitae Variant Classification Sherloc (09022015). Collection method: clinical testing. Allele origin: germline.
Comment: This variant is not present in population databases (ExAC no frequency). In summary, the available evidence is currently insufficient to determine the role of this variant in disease. Therefore, it has been classified as a Variant of Uncertain Significance. Algorithms developed to predict the effect of missense changes on protein structure and function are either unavailable or do not agree on the potential impact of this missense change (SIFT: "Tolerated"; PolyPhen-2: "Probably Damaging"; Align-GVGD: "Class C0"). This variant has not been reported in the literature in individuals with KCNQ2-related conditions. ClinVar contains an entry for this variant (Variation ID: 205932). This sequence change replaces phenylalanine with leucine at codon 802 of the KCNQ2 protein (p.Phe802Leu). The phenylalanine residue is highly conserved and there is a small physicochemical difference between phenylalanine and leucine.

GeneDx
Classification: Uncertain significance. Last evaluated: 2013-03-22. Review status: criteria provided, single submitter. Criteria: GeneDx Variant Classification (06012015). Collection method: clinical testing. Allele origin: germline. Affected: yes.
Comment: p.Phe802Leu (TTC>CTC): c.2404 T>C in exon 17 of the KCNQ2 gene (NM_172107.2)The Phe802Leu missense change has not been published as a mutation, nor has it been reported as a benign polymorphism to our knowledge. It was not observed in approximately 6,500 individuals of European and African American ancestry in the NHLBI Exome Sequencing Project or among the various ethnic groups studied in the 1000 Genomes Project, indicating it is not a common benign variant in these populations. The amino acid substitution is conservative, as both Phenylalanine and Leucine are uncharged, non-polar amino acids. It alters a position in the C-terminal region of the protein that is well conserved through mammals but is not conserved in more distant species. Several in silico algorithms predict it may be damaging to protein structure/function, while another model suggests it may be benign. Therefore, based on the currently available information, it is unclear whether Phe802Leu is a disease-causing mutation or a rare benign variant. The variant is found in INFANT-EPI panel(s).

NM_172107.4(KCNQ2):c.2404T>C (p.Phe802Leu)

Gene: KCNQ2 (potassium voltage-gated channel subfamily Q member 2; minus strand). Cytogenetic location: 20q13.33.
Variant type: single nucleotide variant.
Coding change: c.2404T>C on transcript NM_172107.4 (MANE Select); coding-DNA position 2404, T replaced by C.
Protein change: p.Phe802Leu; replaces phenylalanine 802 with leucine.
Molecular consequence: missense variant.
Genome position (GRCh38, 1-based): chr20:63,406,859, A>G on the plus strand (T>C on the coding strand, the complement: KCNQ2 is on the minus strand). VCF-style: chr20-63406859-A-G. GRCh37 (hg19) VCF-style: chr20-62038212-A-G.
Other names: p.F802L:TTC>CTC; c.2458T>C, p.Phe820Leu (NM_001382235.1); c.2347T>C, p.Phe783Leu (NM_001439003.1); c.2317T>C, p.Phe773Leu (NM_001439004.1); c.2320T>C, p.Phe774Leu (NM_004518.6); c.2350T>C, p.Phe784Leu (NM_172106.3); c.2311T>C, p.Phe771Leu (NM_172108.5); short protein forms F802L, F771L, F774L, F784L, F820L, F773L, F783L.
Identifiers: ClinVar variation 205932 (VCV000205932.11), dbSNP rs796052659, ClinGen allele CA315525.